The following is an entry in ClinVar:

ClinVar aggregate classification (germline): Uncertain significance. Review status: criteria provided, single submitter (1 of 4 stars). 2 submissions from 2 submitters: Uncertain significance (1). 1 of the submissions does not count toward it. Last evaluated 2024-06-04.

Conditions:
SRCAP-related disorder. Also called: SRCAP-related condition.
Floating-Harbor syndrome (FLHS). Also called: SRCAP-Related Floating-Harbor Syndrome; Short stature with delayed bone age, expressive language delay, a triangular face with a prominent nose and deep-set eyes; Pelletier-Leisti syndrome. Identifiers: Orphanet 2044, MedGen C0729582, MONDO:0007621, OMIM 136140.
Developmental delay, hypotonia, musculoskeletal defects, and behavioral abnormalities. Identifiers: MedGen C5562012, MONDO:0859202, OMIM 619595.

gnomAD v4.1: 11 of 1,613,848 alleles (0.00068%); highest among the groups gnomAD compares: South Asian, 0.0011%; no homozygotes.

Submissions (2):

Fulgent Genetics
Classification: Uncertain significance for Floating-Harbor syndrome; Developmental delay, hypotonia, musculoskeletal defects, and behavioral abnormalities. Last evaluated: 2024-06-04. Review status: criteria provided, single submitter. Criteria: ACMG Guidelines, 2015. Collection method: clinical testing. Allele origin: germline.

PreventionGenetics, part of Exact Sciences
Classification: Likely benign for SRCAP-related condition. Last evaluated: 2024-03-29. Review status: no assertion criteria provided. Collection method: clinical testing. Allele origin: germline. Not counted in ClinVar's aggregate classification.
Comment: This variant is classified as likely benign based on ACMG/AMP sequence variant interpretation guidelines (Richards et al. 2015 PMID: 25741868, with internal and published modifications).

NM_006662.3(SRCAP):c.6495-5C>A

Gene: SRCAP (Snf2 related CREBBP activator protein; plus strand). Cytogenetic location: 16p11.2.
Variant type: single nucleotide variant.
Coding change: c.6495-5C>A on transcript NM_006662.3 (MANE Select); 5 bases into the intron before coding-DNA position 6495, C replaced by A.
Molecular consequence: intron variant.
Genome position (GRCh38, 1-based): chr16:30,733,889, C>A. VCF-style: chr16-30733889-C-A. GRCh37 (hg19) VCF-style: chr16-30745210-C-A.
Identifiers: ClinVar variation 3358247 (VCV003358247.2).